The following is an entry in ClinVar:

NM_000044.6(AR):c.965del (p.Gly322fs)

Gene: AR (androgen receptor; plus strand). Cytogenetic location: Xq12.
Variant type: Deletion.
Coding change: c.965del on transcript NM_000044.6 (MANE Select); coding-DNA position 965, one base deleted (G; older notation c.965delG).
Protein change: p.Gly322fs; shifts the reading frame from glycine 322.
Molecular consequence: frameshift variant. On other transcripts: 5 prime UTR variant (1).
Genome position (GRCh38, 1-based): chrX:67,546,111, G deleted; the last of 2 consecutive G bases (chrX:67,546,110-67,546,111); deleting either gives the same sequence. VCF-style (leftmost placement, unchanged base first): chrX-67546109-AG-A. GRCh37 (hg19) VCF-style: chrX-66765951-AG-A.
Other names: c.-819del (NM_001011645.3); c.965del, p.Gly322fs (NM_001348061.1, NM_001348063.1, NM_001348064.1); short protein forms G322fs.
Identifiers: ClinVar variation 4785960 (VCV004785960.1).

ClinVar aggregate classification (germline): Pathogenic (1 of 4 stars; one submission).

Conditions:
Androgen resistance syndrome (AIS). Also called: ANDROGEN RECEPTOR DEFICIENCY; DIHYDROTESTOSTERONE RECEPTOR DEFICIENCY; TESTICULAR FEMINIZATION SYNDROME; DHTR DEFICIENCY; Androgen insensitivity syndrome; Androgen insensitivity. Identifiers: Orphanet 754, Orphanet 99429, MedGen C0039585, MONDO:0019154, OMIM 300068. Disease mechanism: loss of function.
Kennedy disease (SMAX1). Also called: SPINAL AND BULBAR MUSCULAR ATROPHY, X-LINKED 1; KENNEDY SPINAL AND BULBAR MUSCULAR ATROPHY; Spinal and Bulbar Muscular Atrophy. Identifiers: Orphanet 481, MedGen C1839259, MONDO:0010735, OMIM 313200.

Submission:

Labcorp Genetics (formerly Invitae), Labcorp
Classification: Pathogenic for Kennedy disease; Androgen resistance syndrome. Last evaluated: 2025-08-25. Review status: criteria provided, single submitter. Criteria: Invitae Variant Classification Sherloc (09022015). Collection method: clinical testing. Allele origin: germline.
Comment: This sequence change creates a premature translational stop signal (p.Gly322Alafs*4) in the AR gene. It is expected to result in an absent or disrupted protein product. Loss-of-function variants in AR are known to be pathogenic (PMID: 19463997). This variant is not present in population databases (gnomAD no frequency). This variant has not been reported in the literature in individuals affected with AR-related conditions. For these reasons, this variant has been classified as Pathogenic.

Literature cited by the submitters: PubMed 19463997.